The following is an entry in ClinVar:

NM_001291303.3(FAT4):c.9046G>A (p.Gly3016Arg)

Gene: FAT4 (FAT atypical cadherin 4; plus strand). Cytogenetic location: 4q28.1.
Variant type: single nucleotide variant.
Coding change: c.9046G>A on transcript NM_001291303.3 (MANE Select); coding-DNA position 9046, G replaced by A.
Protein change: p.Gly3016Arg; replaces glycine 3016 with arginine.
Molecular consequence: missense variant.
Genome position (GRCh38, 1-based): chr4:125,450,056, G>A. VCF-style: chr4-125450056-G-A. GRCh37 (hg19) VCF-style: chr4-126371211-G-A.
Other names: c.9046G>A, p.Gly3016Arg (NM_001291285.3); c.9040G>A, p.Gly3014Arg (NM_024582.6); short protein forms G3014R, G3016R.
Identifiers: ClinVar variation 1485159 (VCV001485159.8), dbSNP rs377586866, ClinGen allele CA3073459.

ClinVar aggregate classification (germline): Uncertain significance (1 of 4 stars; one submission).

Allele frequency attached by ClinVar (database versions not stated): gnomAD exomes below 0.00001 and 0.00004; TOPMed below 0.00001; ExAC 0.00001; gnomAD 0.00001; ESP Exome Variant Server 0.00008.
gnomAD v4.1: 53 of 1,613,720 alleles (0.0033%); highest among the groups gnomAD compares: Non-Finnish European, 0.0044%; no homozygotes.

Submission:

Labcorp Genetics (formerly Invitae), Labcorp
Classification: Uncertain significance. Last evaluated: 2021-01-04. Review status: criteria provided, single submitter. Criteria: Invitae Variant Classification Sherloc (09022015). Collection method: clinical testing. Allele origin: germline.
Comment: This sequence change replaces glycine with arginine at codon 3014 of the FAT4 protein (p.Gly3014Arg). The glycine residue is highly conserved and there is a moderate physicochemical difference between glycine and arginine. This variant is present in population databases (rs377586866, ExAC 0.002%). This variant has not been reported in the literature in individuals with FAT4-related conditions. Advanced modeling of protein sequence and biophysical properties (such as structural, functional, and spatial information, amino acid conservation, physicochemical variation, residue mobility, and thermodynamic stability) performed at Invitae indicates that this missense variant is not expected to disrupt FAT4 protein function. In summary, the available evidence is currently insufficient to determine the role of this variant in disease. Therefore, it has been classified as a Variant of Uncertain Significance.